The following is an entry in ClinVar:

ClinVar aggregate classification (germline): Pathogenic (1 of 4 stars; one submission).

Allele frequency attached by ClinVar (database versions not stated): TOPMed below 0.00001.

Submission:

Labcorp Genetics (formerly Invitae), Labcorp
Classification: Pathogenic. Last evaluated: 2025-05-04. Review status: criteria provided, single submitter. Criteria: Invitae Variant Classification Sherloc (09022015). Collection method: clinical testing. Allele origin: germline.
Comment: This sequence change creates a premature translational stop signal (p.Leu345*) in the SLC26A4 gene. It is expected to result in an absent or disrupted protein product. Loss-of-function variants in SLC26A4 are known to be pathogenic (PMID: 16283880, 25394566, 26252218, 26445815). This variant is not present in population databases (gnomAD no frequency). This variant has not been reported in the literature in individuals affected with SLC26A4-related conditions. ClinVar contains an entry for this variant (Variation ID: 2980702). For these reasons, this variant has been classified as Pathogenic.

Literature cited by the submitters: PubMed 16283880; PubMed 25394566; PubMed 26252218; PubMed 26445815.

NM_000441.2(SLC26A4):c.1034T>A (p.Leu345Ter)

Gene: SLC26A4 (solute carrier family 26 member 4; plus strand). Cytogenetic location: 7q22.3.
Variant type: single nucleotide variant.
Coding change: c.1034T>A on transcript NM_000441.2 (MANE Select); coding-DNA position 1034, T replaced by A.
Protein change: p.Leu345Ter; replaces leucine 345 with a stop codon.
Molecular consequence: nonsense.
Genome position (GRCh38, 1-based): chr7:107,689,085, T>A. VCF-style: chr7-107689085-T-A. GRCh37 (hg19) VCF-style: chr7-107329530-T-A.
Other names: short protein forms L345*.
Identifiers: ClinVar variation 2980702 (VCV002980702.3), dbSNP rs1791496184, ClinGen allele CA368838466.